The following is an entry in ClinVar:

NM_019098.5(CNGB3):c.319G>A (p.Gly107Arg)

Gene: CNGB3 (cyclic nucleotide gated channel subunit beta 3; minus strand). Cytogenetic location: 8q21.3.
Variant type: single nucleotide variant.
Coding change: c.319G>A on transcript NM_019098.5 (MANE Select); coding-DNA position 319, G replaced by A.
Protein change: p.Gly107Arg; replaces glycine 107 with arginine.
Molecular consequence: missense variant.
Genome position (GRCh38, 1-based): chr8:86,726,550, C>T on the plus strand (G>A on the coding strand, the complement: CNGB3 is on the minus strand). VCF-style: chr8-86726550-C-T. GRCh37 (hg19) VCF-style: chr8-87738778-C-T.
Other names: short protein forms G107R.
Identifiers: ClinVar variation 731045 (VCV000731045.41), dbSNP rs146688972, ClinGen allele CA4800444.
Genomic context (GRCh38, chr8:86,726,550, plus strand): 5'-AATATCTCTAAAATATGTTGTGTGTTTTATTAAATGCTCACCTGTTTGGACCTTCTTTCC[C>T]GGGGTCCATTTCCTTCTGCTCTGGCACTGTTCCAGTTGGTTCTGCTGCATTTTGAGGGTC-3'
Protein context (NP_061971.3, residues 97-117): TVPEQKEMDP[Gly107Arg]KEGPNSPQNK

ClinVar aggregate classification (germline): Conflicting classifications of pathogenicity. Review status: criteria provided, conflicting classifications (1 of 4 stars). 8 submissions from 7 submitters: Uncertain significance (1); Likely benign (5). 2 of the submissions do not count toward it. Last evaluated 2026-01-24.

Conditions:
CNGB3-related disorder. Also called: CNGB3-related condition; CNGB3-related disorders. Identifiers: MedGen CN239340.
Achromatopsia. Also called: Rod monochromatism. Identifiers: Orphanet 49382, MedGen C0152200, MONDO:0018852, HP:0011516.
Achromatopsia 3 (ACHM3). Also called: ROD MONOCHROMACY 1; ROD MONOCHROMATISM 1; PINGELAPESE BLINDNESS; TOTAL COLORBLINDNESS WITH MYOPIA; ACHROMATOPSIA WITH MYOPIA. Identifiers: Orphanet 49382, MedGen C1849792, MONDO:0009875, OMIM 262300.
Severe early-childhood-onset retinal dystrophy (STGD1). Also called: MACULAR DYSTROPHY WITH FLECKS, TYPE 1; STGD; Stargardt macular dystrophy; Juvenile onset macular degeneration; Stargardt disease 1. Identifiers: Orphanet 364055, Orphanet 827, MedGen C1855465, MeSH D000080362, MONDO:0009549, OMIM 248200.

Allele frequency attached by ClinVar (database versions not stated): TOPMed 0.00037; gnomAD exomes 0.00045 and 0.00046; ExAC 0.00047; gnomAD 0.00054 and 0.00057; 1000 Genomes Project 0.00080; ESP Exome Variant Server 0.00085; 1000 Genomes Project 30x 0.00109.
gnomAD v4.1: 770 of 1,613,750 alleles (0.048%); highest among the groups gnomAD compares: Admixed American, 0.13%; 1 homozygote.

Submissions (8):

Labcorp Genetics (formerly Invitae), Labcorp
Classification: Likely benign. Last evaluated: 2026-01-24. Review status: criteria provided, single submitter. Criteria: Invitae Variant Classification Sherloc (09022015). Collection method: clinical testing. Allele origin: germline.

Blueprint Genetics
Classification: Likely benign. Last evaluated: 2024-11-18. Review status: criteria provided, single submitter. Criteria: ACMG Guidelines, 2015. Collection method: clinical testing. Allele origin: germline.

CeGaT Center for Human Genetics Tuebingen
Classification: Uncertain significance. Last evaluated: 2023-07-01. Review status: criteria provided, single submitter. Criteria: CeGaT Center For Human Genetics Tuebingen Variant Classification Criteria Version 2. Collection method: clinical testing. Allele origin: germline. Affected: yes. Observed: 1 variant allele.
Comment: CNGB3: PM2, BP4

Illumina Laboratory Services, Illumina
Classification: Likely benign for Achromatopsia 3. Last evaluated: 2017-04-27. Review status: criteria provided, single submitter. Criteria: ICSL Variant Classification Criteria 13 December 2019. Collection method: clinical testing. Allele origin: germline.
Comment: This variant was observed as part of a predisposition screen in an ostensibly healthy population. A literature search was performed for the gene, cDNA change, and amino acid change (where applicable). Publications were found based on this search. The evidence from the literature, in combination with allele frequency data from public databases where available, was sufficient to determine this variant is unlikely to cause disease. Therefore, this variant is classified as likely benign.

Illumina Laboratory Services, Illumina
Classification: Likely benign for Severe early-childhood-onset retinal dystrophy. Last evaluated: 2017-04-27. Review status: criteria provided, single submitter. Criteria: ICSL Variant Classification Criteria 13 December 2019. Collection method: clinical testing. Allele origin: germline.
Comment: This variant was observed as part of a predisposition screen in an ostensibly healthy population. A literature search was performed for the gene, cDNA change, and amino acid change (where applicable). No publications were found based on this search. Allele frequency data from public databases allowed determination this variant is unlikely to cause disease. Therefore, this variant is classified as likely benign.

Breakthrough Genomics
Classification: Likely benign. Review status: criteria provided, single submitter. Criteria: ACMG Guidelines, 2015. Collection method: not provided. Allele origin: germline. Inheritance: Autosomal recessive inheritance. Affected: yes.

PreventionGenetics, part of Exact Sciences
Classification: Likely benign for CNGB3-related condition. Last evaluated: 2024-08-27. Review status: no assertion criteria provided. Collection method: clinical testing. Allele origin: germline. Not counted in ClinVar's aggregate classification.
Comment: This variant is classified as likely benign based on ACMG/AMP sequence variant interpretation guidelines (Richards et al. 2015 PMID: 25741868, with internal and published modifications).

Natera, Inc.
Classification: Uncertain significance for Achromatopsia. Last evaluated: 2020-04-14. Review status: no assertion criteria provided. Collection method: clinical testing. Allele origin: germline. Not counted in ClinVar's aggregate classification.

Literature cited by the submitters: PubMed 15712225 (cited by Illumina Laboratory Services, Illumina).